The following is an entry in ClinVar:

NM_001165963.4(SCN1A):c.1092C>A (p.Ser364Arg)

Gene: SCN1A (sodium voltage-gated channel alpha subunit 1; minus strand). Cytogenetic location: 2q24.3.
Variant type: single nucleotide variant.
Coding change: c.1092C>A on transcript NM_001165963.4 (MANE Select); coding-DNA position 1092, C replaced by A.
Protein change: p.Ser364Arg; replaces serine 364 with arginine.
Molecular consequence: missense variant. On other transcripts: 5 prime UTR variant (1), non-coding transcript variant (1).
Genome position (GRCh38, 1-based): chr2:166,047,705, G>T on the plus strand (C>A on the coding strand, the complement: SCN1A is on the minus strand). VCF-style: chr2-166047705-G-T. GRCh37 (hg19) VCF-style: chr2-166904215-G-T.
Other names: c.1092C>A, p.Ser364Arg (NM_001165964.3, NM_001202435.3, NM_001353948.2 and 10 more transcripts); c.-1334C>A (NM_001353961.2); c.1092C>A (NM_001165963.1); short protein forms S364R.
Identifiers: ClinVar variation 593630 (VCV000593630.6), dbSNP rs766332635, ClinGen allele CA1943364.

ClinVar aggregate classification (germline): Conflicting classifications of pathogenicity. Review status: criteria provided, conflicting classifications (1 of 4 stars). 2 submissions from 2 submitters: Pathogenic (1); Uncertain significance (1). Last evaluated 2024-05-01.

Allele frequency attached by ClinVar (database versions not stated): ExAC 0.00002.

Submissions (2):

GeneDx
Classification: Pathogenic. Last evaluated: 2024-05-01. Review status: criteria provided, single submitter. Criteria: GeneDx Variant Classification Process June 2021. Collection method: clinical testing. Allele origin: germline. Affected: yes.
Comment: Not observed at significant frequency in large population cohorts (gnomAD); In silico analysis supports that this missense variant has a deleterious effect on protein structure/function; Has not been previously published as pathogenic or benign to our knowledge

Eurofins Ntd Llc (ga)
Classification: Uncertain significance. Last evaluated: 2017-08-21. Review status: criteria provided, single submitter. Criteria: EGL Classification Definitions 2015. Collection method: clinical testing. Allele origin: germline.